The following is an entry in ClinVar:

NM_138295.5(PKD1L1):c.5466C>T (p.Gly1822=)

Gene: PKD1L1 (polycystin 1 like 1, transient receptor potential channel interacting; minus strand). Cytogenetic location: 7p12.3.
Variant type: single nucleotide variant.
Coding change: c.5466C>T on transcript NM_138295.5 (MANE Select); coding-DNA position 5466, C replaced by T.
Protein change: p.Gly1822=; no amino-acid change (glycine 1822 retained).
Molecular consequence: synonymous variant.
Genome position (GRCh38, 1-based): chr7:47,840,547, G>A on the plus strand (C>T on the coding strand, the complement: PKD1L1 is on the minus strand). VCF-style: chr7-47840547-G-A. GRCh37 (hg19) VCF-style: chr7-47880145-G-A.
Identifiers: ClinVar variation 4977308 (VCV004977308.1).

ClinVar aggregate classification (germline): Likely benign (1 of 4 stars; one submission).

Conditions:
PKD1L1-related disorder. Also called: PKD1L1-related condition.

gnomAD v4.1: 31 of 1,613,666 alleles (0.0019%); highest among the groups gnomAD compares: African/African-American, 0.008%; no homozygotes.

Submission:

PreventionGenetics, part of Exact Sciences
Classification: Likely benign for PKD1L1-related condition. Last evaluated: 2025-04-24. Review status: criteria provided, single submitter. Criteria: ACMG Guidelines, 2015. Collection method: clinical testing. Allele origin: germline.
Comment: This variant is classified as likely benign based on ACMG/AMP sequence variant interpretation guidelines (Richards et al. 2015 PMID: 25741868, with internal and published modifications).